The following is an entry in ClinVar:

NM_000038.6(APC):c.4359T>G (p.Pro1453=)

Gene: APC (APC regulator of Wnt signaling pathway; plus strand). Cytogenetic location: 5q22.2.
Variant type: single nucleotide variant.
Coding change: c.4359T>G on transcript NM_000038.6 (MANE Select); coding-DNA position 4359, T replaced by G.
Protein change: p.Pro1453=; no amino-acid change (proline 1453 retained).
Molecular consequence: synonymous variant. On other transcripts: non-coding transcript variant (2).
Genome position (GRCh38, 1-based): chr5:112,839,953, T>G. VCF-style: chr5-112839953-T-G. GRCh37 (hg19) VCF-style: chr5-112175650-T-G.
Other names: c.4359T>G, p.Pro1453= (NM_001127510.3, NM_001354895.2, NM_001407450.1); c.4305T>G, p.Pro1435= (NM_001127511.3); c.4413T>G, p.Pro1471= (NM_001354896.2, NM_001407447.1, NM_001407448.1 and 1 more transcripts); c.4389T>G, p.Pro1463= (NM_001354897.2); c.4284T>G, p.Pro1428= (NM_001354898.2); c.4275T>G, p.Pro1425= (NM_001354899.2); c.4236T>G, p.Pro1412= (NM_001354900.2); c.4182T>G, p.Pro1394= (NM_001354901.2, NM_001407453.1); and 11 more.
Identifiers: ClinVar variation 3148194 (VCV003148194.1), dbSNP rs369121091, ClinGen allele CA445964516.

ClinVar aggregate classification (germline): Benign (1 of 4 stars; one submission).

Conditions:
Familial adenomatous polyposis 1 (FAP1). Also called: POLYPOSIS, ADENOMATOUS INTESTINAL; FAMILIAL ADENOMATOUS POLYPOSIS 1, ATTENUATED. Identifiers: MedGen C2713442, MONDO:0021056, OMIM 175100. Disease mechanism: loss of function.

Submission:

Myriad Genetics, Inc.
Classification: Benign for Familial adenomatous polyposis 1. Last evaluated: 2024-03-26. Review status: criteria provided, single submitter. Criteria: Myriad Autosomal Dominant, Autosomal Recessive and X-Linked Classification Criteria (2023). Collection method: clinical testing. Allele origin: unknown.
Comment: This variant is considered benign. This variant is a silent/synonymous amino acid change and it is not expected to impact splicing.